The following is an entry in ClinVar:

ClinVar aggregate classification (germline): Benign. Review status: criteria provided, multiple submitters, no conflicts (2 of 4 stars). 5 submissions from 5 submitters: Benign (5). Last evaluated 2026-02-03.

Conditions:
Triosephosphate isomerase deficiency (TPID). Also called: Triose phosphate isomerase deficiency. Identifiers: Orphanet 868, MedGen C1860808, MONDO:0014221, OMIM 615512.

Allele frequency attached by ClinVar (database versions not stated): gnomAD exomes 0.00733; ExAC 0.00855; gnomAD 0.02476 and 0.02638; 1000 Genomes Project 0.02736; TOPMed 0.02800; ESP Exome Variant Server 0.02876; 1000 Genomes Project 30x 0.03029.
gnomAD v4.1: 7,907 of 1,612,086 alleles (0.49%); highest among the groups gnomAD compares: African/African-American, 8.5%; 312 homozygotes.

Submissions (30):

Labcorp Genetics (formerly Invitae), Labcorp
Classification: Benign. Last evaluated: 2026-02-03. Review status: criteria provided, single submitter. Criteria: Invitae Variant Classification Sherloc (09022015). Collection method: clinical testing. Allele origin: germline.

ARUP Laboratories, Molecular Genetics and Genomics, ARUP Laboratories
Classification: Benign for Triosephosphate isomerase deficiency. Last evaluated: 2025-07-25. Review status: criteria provided, single submitter. Criteria: ARUP Molecular Germline Variant Investigation Process 2024. Collection method: clinical testing. Allele origin: germline.

Mayo Clinic Laboratories, Mayo Clinic
Classification: Benign. Last evaluated: 2022-07-08. Review status: criteria provided, single submitter. Criteria: ACMG Guidelines, 2015. Collection method: clinical testing. Allele origin: germline. Observed: 91 variant alleles.
Comment: BS1, BS2, BP4, BP7

Illumina Laboratory Services, Illumina
Classification: Benign for Triosephosphate isomerase deficiency. Last evaluated: 2018-01-12. Review status: criteria provided, single submitter. Criteria: ICSL Variant Classification Criteria 13 December 2019. Collection method: clinical testing. Allele origin: germline.
Comment: This variant was observed in the ICSL laboratory as part of a predisposition screen in an ostensibly healthy population. It had not been previously curated by ICSL or reported in the Human Gene Mutation Database (HGMD: prior to June 1st, 2018), and was therefore a candidate for classification through an automated scoring system. Utilizing variant allele frequency, disease prevalence and penetrance estimates, and inheritance mode, an automated score was calculated to assess if this variant is too frequent to cause the disease. Based on the score and internal cut-off values, a variant classified as benign is not then subjected to further curation. The score for this variant resulted in a classification of benign for this disease.

Breakthrough Genomics
Classification: Benign. Review status: criteria provided, single submitter. Criteria: ACMG Guidelines, 2015. Collection method: not provided. Allele origin: germline. Inheritance: Autosomal recessive inheritance. Affected: yes.

Dr. Peter K. Rogan Lab, Western University
No classification provided (evidence only). Condition: Clear cell carcinoma of kidney. Review status: no classification provided. Collection method: in vitro. Allele origin: not applicable. Functional consequence: retained intron. Not counted in ClinVar's aggregate classification.

Dr. Peter K. Rogan Lab, Western University
No classification provided (evidence only). Condition: Clear cell carcinoma of kidney. Review status: no classification provided. Collection method: in vitro. Allele origin: not applicable. Functional consequence: retained intron. Not counted in ClinVar's aggregate classification.

Dr. Peter K. Rogan Lab, Western University
No classification provided (evidence only). Condition: Uterine corpus endometrial carcinoma. Review status: no classification provided. Collection method: in vitro. Allele origin: not applicable. Functional consequence: retained intron. Not counted in ClinVar's aggregate classification.

Dr. Peter K. Rogan Lab, Western University
No classification provided (evidence only). Condition: Uterine corpus endometrial carcinoma. Review status: no classification provided. Collection method: in vitro. Allele origin: not applicable. Functional consequence: retained intron. Not counted in ClinVar's aggregate classification.

Dr. Peter K. Rogan Lab, Western University
No classification provided (evidence only). Condition: Uterine corpus endometrial carcinoma. Review status: no classification provided. Collection method: in vitro. Allele origin: not applicable. Functional consequence: retained intron. Not counted in ClinVar's aggregate classification.

Dr. Peter K. Rogan Lab, Western University
No classification provided (evidence only). Condition: Uterine corpus endometrial carcinoma. Review status: no classification provided. Collection method: in vitro. Allele origin: not applicable. Functional consequence: retained intron. Not counted in ClinVar's aggregate classification.

Dr. Peter K. Rogan Lab, Western University
No classification provided (evidence only). Condition: Uterine corpus endometrial carcinoma. Review status: no classification provided. Collection method: in vitro. Allele origin: not applicable. Functional consequence: retained intron. Not counted in ClinVar's aggregate classification.

Dr. Peter K. Rogan Lab, Western University
No classification provided (evidence only). Condition: Uterine corpus endometrial carcinoma. Review status: no classification provided. Collection method: in vitro. Allele origin: not applicable. Functional consequence: retained intron. Not counted in ClinVar's aggregate classification.

Dr. Peter K. Rogan Lab, Western University
No classification provided (evidence only). Condition: Uterine corpus endometrial carcinoma. Review status: no classification provided. Collection method: in vitro. Allele origin: not applicable. Functional consequence: retained intron. Not counted in ClinVar's aggregate classification.

Dr. Peter K. Rogan Lab, Western University
No classification provided (evidence only). Condition: Cervical cancer. Review status: no classification provided. Collection method: in vitro. Allele origin: not applicable. Functional consequence: retained intron. Not counted in ClinVar's aggregate classification.

Dr. Peter K. Rogan Lab, Western University
No classification provided (evidence only). Condition: Cervical cancer. Review status: no classification provided. Collection method: in vitro. Allele origin: not applicable. Functional consequence: retained intron. Not counted in ClinVar's aggregate classification.

Dr. Peter K. Rogan Lab, Western University
No classification provided (evidence only). Condition: Cervical cancer. Review status: no classification provided. Collection method: in vitro. Allele origin: not applicable. Functional consequence: retained intron. Not counted in ClinVar's aggregate classification.

Dr. Peter K. Rogan Lab, Western University
No classification provided (evidence only). Condition: Cervical cancer. Review status: no classification provided. Collection method: in vitro. Allele origin: not applicable. Functional consequence: retained intron. Not counted in ClinVar's aggregate classification.

Dr. Peter K. Rogan Lab, Western University
No classification provided (evidence only). Condition: Cervical cancer. Review status: no classification provided. Collection method: in vitro. Allele origin: not applicable. Functional consequence: retained intron. Not counted in ClinVar's aggregate classification.

Dr. Peter K. Rogan Lab, Western University
No classification provided (evidence only). Condition: Cervical cancer. Review status: no classification provided. Collection method: in vitro. Allele origin: not applicable. Functional consequence: retained intron. Not counted in ClinVar's aggregate classification.

Dr. Peter K. Rogan Lab, Western University
No classification provided (evidence only). Condition: Cervical cancer. Review status: no classification provided. Collection method: in vitro. Allele origin: not applicable. Functional consequence: retained intron. Not counted in ClinVar's aggregate classification.

Dr. Peter K. Rogan Lab, Western University
No classification provided (evidence only). Condition: Cervical cancer. Review status: no classification provided. Collection method: in vitro. Allele origin: not applicable. Functional consequence: retained intron. Not counted in ClinVar's aggregate classification.

Dr. Peter K. Rogan Lab, Western University
No classification provided (evidence only). Condition: Cervical cancer. Review status: no classification provided. Collection method: in vitro. Allele origin: not applicable. Functional consequence: retained intron. Not counted in ClinVar's aggregate classification.

Dr. Peter K. Rogan Lab, Western University
No classification provided (evidence only). Condition: Sarcoma. Review status: no classification provided. Collection method: in vitro. Allele origin: not applicable. Functional consequence: retained intron. Not counted in ClinVar's aggregate classification.

Dr. Peter K. Rogan Lab, Western University
No classification provided (evidence only). Condition: Sarcoma. Review status: no classification provided. Collection method: in vitro. Allele origin: not applicable. Functional consequence: retained intron. Not counted in ClinVar's aggregate classification.

Dr. Peter K. Rogan Lab, Western University
No classification provided (evidence only). Condition: Sarcoma. Review status: no classification provided. Collection method: in vitro. Allele origin: not applicable. Functional consequence: retained intron. Not counted in ClinVar's aggregate classification.

Dr. Peter K. Rogan Lab, Western University
No classification provided (evidence only). Condition: Thymoma. Review status: no classification provided. Collection method: in vitro. Allele origin: not applicable. Functional consequence: retained intron. Not counted in ClinVar's aggregate classification.

Dr. Peter K. Rogan Lab, Western University
No classification provided (evidence only). Condition: Ovarian serous cystadenocarcinoma. Review status: no classification provided. Collection method: in vitro. Allele origin: not applicable. Functional consequence: retained intron. Not counted in ClinVar's aggregate classification.

Dr. Peter K. Rogan Lab, Western University
No classification provided (evidence only). Condition: Ovarian serous cystadenocarcinoma. Review status: no classification provided. Collection method: in vitro. Allele origin: not applicable. Functional consequence: retained intron. Not counted in ClinVar's aggregate classification.

Dr. Peter K. Rogan Lab, Western University
No classification provided (evidence only). Condition: Uterine carcinosarcoma. Review status: no classification provided. Collection method: in vitro. Allele origin: not applicable. Functional consequence: retained intron. Not counted in ClinVar's aggregate classification.

NM_000365.6(TPI1):c.544-10C>G

Gene: TPI1 (triosephosphate isomerase 1; plus strand). Cytogenetic location: 12p13.31.
Variant type: single nucleotide variant.
Coding change: c.544-10C>G on transcript NM_000365.6 (MANE Select); 10 bases into the intron before coding-DNA position 544, C replaced by G.
Molecular consequence: intron variant.
Genome position (GRCh38, 1-based): chr12:6,870,039, C>G. VCF-style: chr12-6870039-C-G. GRCh37 (hg19) VCF-style: chr12-6979203-C-G.
Other names: p.?; c.655-10C>G (NM_001159287.1); c.298-10C>G (NM_001258026.2).
Identifiers: ClinVar variation 310364 (VCV000310364.31), dbSNP rs115061797, ClinGen allele CA6418986.